The following is an entry in ClinVar:

NM_001613.4(ACTA2):c.459C>T (p.Ile153=)

Gene: ACTA2 (actin alpha 2, smooth muscle; minus strand). Cytogenetic location: 10q23.31.
Variant type: single nucleotide variant.
Coding change: c.459C>T on transcript NM_001613.4 (MANE Select); coding-DNA position 459, C replaced by T.
Protein change: p.Ile153=; no amino-acid change (isoleucine 153 retained).
Molecular consequence: synonymous variant.
Genome position (GRCh38, 1-based): chr10:88,941,386, G>A on the plus strand (C>T on the coding strand, the complement: ACTA2 is on the minus strand). VCF-style: chr10-88941386-G-A. GRCh37 (hg19) VCF-style: chr10-90701143-G-A.
Other names: c.459C>T, p.Ile153= (NM_001141945.3, NM_001320855.2, NM_001406462.1 and 3 more transcripts); c.348C>T, p.Ile116= (NM_001406466.1); c.330C>T, p.Ile110= (NM_001406467.1, NM_001406468.1, NM_001406469.1).
Identifiers: ClinVar variation 629780 (VCV000629780.9), dbSNP rs1177449670, ClinGen allele CA470734701.
Genomic context (GRCh38, chr10:88,941,386, plus strand): 5'-CAAGGCATAGCCCTCATAGATGGGGACATTGTGGGTGACACCATCTCCAGAGTCCAGCAC[G>A]ATGCCTGGGAGACAATTGGGCGTGATAAGTCACCATGGCAGCTGGCATGTGGTTACTTGC-3'
Protein context (NP_001604.1, residues 143-163): SLYASGRTTG[Ile153=]VLDSGDGVTH

ClinVar aggregate classification (germline): Likely benign. Review status: criteria provided, multiple submitters, no conflicts (2 of 4 stars). 4 submissions from 4 submitters: Likely benign (4). Last evaluated 2025-12-16.

Conditions:
Aortic aneurysm, familial thoracic 6 (AAT6). Also called: FAMILIAL THORACIC AORTIC ANEURYSM WITH LIVEDO RETICULARIS AND IRIS FLOCCULI. Identifiers: MedGen C2673186, MONDO:0012730, OMIM 611788.
Familial thoracic aortic aneurysm and aortic dissection (TAAD). Also called: Thoracic aortic aneurysms and dissections. Identifiers: Orphanet 91387, MedGen C4707243, MONDO:0019625.

Allele frequency attached by ClinVar (database versions not stated): TOPMed below 0.00001; gnomAD exomes 0.00001.
gnomAD v4.1: 7 of 1,613,918 alleles (0.00043%); highest among the groups gnomAD compares: Non-Finnish European, 0.00051%; no homozygotes.

Submissions (4):

Ambry Genetics
Classification: Likely benign for Familial thoracic aortic aneurysm and aortic dissection. Last evaluated: 2025-12-16. Review status: criteria provided, single submitter. Criteria: Ambry Variant Classification Scheme 2023. Collection method: clinical testing. Allele origin: germline.

Labcorp Genetics (formerly Invitae), Labcorp
Classification: Likely benign for Aortic aneurysm, familial thoracic 6. Last evaluated: 2024-10-15. Review status: criteria provided, single submitter. Criteria: Invitae Variant Classification Sherloc (09022015). Collection method: clinical testing. Allele origin: germline.

All of Us Research Program, National Institutes of Health
Classification: Likely benign for Familial thoracic aortic aneurysm and aortic dissection. Last evaluated: 2023-06-28. Review status: criteria provided, single submitter. Criteria: ACMG Guidelines, 2015. Collection method: clinical testing. Allele origin: germline. Inheritance: Autosomal dominant inheritance. Observed: 1 variant allele, 1 heterozygote.
Comment: This study involves interpretation of variants in research participants for the purpose of population health screening. Participant phenotype was not available at the time of variant classification. Additional details can be found in publication PMID: 35346344, PMCID: PMC8962531

Color Diagnostics, LLC DBA Color Health
Classification: Likely benign for Familial thoracic aortic aneurysm and aortic dissection. Last evaluated: 2018-10-17. Review status: criteria provided, single submitter. Criteria: ACMG Guidelines, 2015. Collection method: clinical testing. Allele origin: germline.